The following is an entry in ClinVar:

NM_007294.4(BRCA1):c.5163_5164insC (p.Ser1722fs)

Gene: BRCA1 (BRCA1 DNA repair associated; minus strand). Cytogenetic location: 17q21.31.
Variant type: Insertion.
Coding change: c.5163_5164insC on transcript NM_007294.4 (MANE Select); coding-DNA positions 5163 to 5164, C inserted.
Protein change: p.Ser1722fs; shifts the reading frame from serine 1722.
Molecular consequence: frameshift variant. On other transcripts: non-coding transcript variant (1).
Genome position: GRCh38 VCF-style: chr17-43063362-A-AG. GRCh37 (hg19) VCF-style: chr17-41215379-A-AG.
Other names: 5282insC; c.5040_5041insC, p.Ser1681Leufs (NM_001407664.1, NM_001407665.1, NM_001407666.1 and 6 more transcripts); c.5037_5038insC, p.Ser1680Leufs (NM_001407670.1, NM_001407671.1, NM_001407672.1 and 10 more transcripts); c.5034_5035insC, p.Ser1679Leufs (NM_001407681.1, NM_001407682.1, NM_001407683.1 and 6 more transcripts); c.5163_5164insC, p.Ser1722Leufs (NM_001407684.1, NM_001407854.1, NM_001407593.1 and 7 more transcripts); c.5031_5032insC, p.Ser1678Leufs (NM_001407690.1, NM_001407691.1); c.5022_5023insC, p.Ser1675Leufs (NM_001407692.1, NM_001407694.1, NM_001407695.1 and 12 more transcripts); c.5019_5020insC, p.Ser1674Leufs (NM_001407732.1, NM_001407733.1, NM_001407734.1 and 21 more transcripts); and 76 more; short protein forms S1675fs, S1722fs, S1743fs, S618fs.
Identifiers: ClinVar variation 266530 (VCV000266530.6), dbSNP rs886040275, ClinGen allele CA10589613.

ClinVar aggregate classification (germline): Pathogenic. Review status: reviewed by expert panel (3 of 4 stars). 2 submissions from 2 submitters: Pathogenic (1). 1 of the submissions does not count toward it. Last evaluated 2016-10-18.

Conditions:
Breast-ovarian cancer, familial, susceptibility to, 1 (BROVCA1). Also called: BRCA1 Hereditary Breast and Ovarian Cancer; OVARIAN CANCER, SUSCEPTIBILITY TO. Identifiers: Orphanet 145, MedGen C2676676, MONDO:0011450, OMIM 604370. Disease mechanism: loss of function.

Submissions (2):

Evidence-based Network for the Interpretation of Germline Mutant Alleles (ENIGMA)
Classification: Pathogenic for Breast-ovarian cancer, familial, susceptibility to, 1. Last evaluated: 2016-10-18. Review status: reviewed by expert panel. Criteria: ENIGMA BRCA1/2 Classification Criteria (2015). Collection method: curation. Allele origin: germline.
Comment: Variant allele predicted to encode a truncated non-functional protein.

Consortium of Investigators of Modifiers of BRCA1/2 (CIMBA), c/o University of Cambridge
Classification: Pathogenic for Breast-ovarian cancer, familial, susceptibility to, 1. Last evaluated: 2015-10-02. Review status: criteria provided, single submitter. Criteria: CIMBA Mutation Classification guidelines May 2016. Collection method: clinical testing. Allele origin: germline. Not counted in ClinVar's aggregate classification.